The following is an entry in ClinVar:

ClinVar aggregate classification (germline): Uncertain significance (1 of 4 stars; one submission).

Conditions:
KSR2-related disorder. Also called: KSR2-related condition.

Submission:

PreventionGenetics, part of Exact Sciences
Classification: Uncertain significance for KSR2-related condition. Last evaluated: 2025-02-04. Review status: criteria provided, single submitter. Criteria: ACMG Guidelines, 2015. Collection method: clinical testing. Allele origin: germline.
Comment: The KSR2 c.1270delG variant is predicted to result in a frameshift and premature protein termination (p.Ala424Profs*7). To our knowledge, this variant has not been reported in the literature or in a large population database (gnomAD), indicating this variant is rare. Although we suspect that this variant may be pathogenic, at this time, the clinical significance of this variant is uncertain due to the absence of conclusive functional and genetic evidence.

NM_173598.6(KSR2):c.1357del (p.Ala453fs)

Gene: KSR2 (kinase suppressor of ras 2; minus strand). Cytogenetic location: 12q24.22.
Variant type: Deletion.
Coding change: c.1357del on transcript NM_173598.6 (MANE Select); coding-DNA position 1357, one base deleted (G; older notation c.1357delG).
Protein change: p.Ala453fs; shifts the reading frame from alanine 453.
Molecular consequence: frameshift variant.
Genome position (GRCh38, 1-based): chr12:117,558,542, C deleted on the plus strand (G on the coding strand, the reverse complement: KSR2 is on the minus strand). VCF-style (leftmost placement, unchanged base first): chr12-117558541-GC-G. GRCh37 (hg19) VCF-style: chr12-117996346-GC-G.
Other names: short protein forms A453fs.
Identifiers: ClinVar variation 5001837 (VCV005001837.1).